The following is an entry in ClinVar:

NM_003482.4(KMT2D):c.14512C>T (p.Pro4838Ser)

Gene: KMT2D (lysine methyltransferase 2D; minus strand). Cytogenetic location: 12q13.12.
Variant type: single nucleotide variant.
Coding change: c.14512C>T on transcript NM_003482.4 (MANE Select); coding-DNA position 14512, C replaced by T.
Protein change: p.Pro4838Ser; replaces proline 4838 with serine.
Molecular consequence: missense variant.
Genome position (GRCh38, 1-based): chr12:49,028,012, G>A on the plus strand (C>T on the coding strand, the complement: KMT2D is on the minus strand). VCF-style: chr12-49028012-G-A. GRCh37 (hg19) VCF-style: chr12-49421795-G-A.
Other names: short protein forms P4838S.
Identifiers: ClinVar variation 1897375 (VCV001897375.18), dbSNP rs2120377911, ClinGen allele CA384694851.

ClinVar aggregate classification (germline): Uncertain significance. Review status: criteria provided, multiple submitters, no conflicts (2 of 4 stars). 2 submissions from 2 submitters: Uncertain significance (2). Last evaluated 2025-01-01.

Conditions:
Kabuki syndrome. Also called: NIIKAWA-KUROKI SYNDROME; Kabuki make-up syndrome. Identifiers: Orphanet 2322, MedGen C0796004, MONDO:0016512.

Allele frequency attached by ClinVar (database versions not stated): gnomAD exomes below 0.00001.
gnomAD v4.1: 1 of 1,613,644 alleles (0.000062%); highest among the groups gnomAD compares: Non-Finnish European, 0.000085%; no homozygotes.

Submissions (2):

CeGaT Center for Human Genetics Tuebingen
Classification: Uncertain significance. Last evaluated: 2025-01-01. Review status: criteria provided, single submitter. Criteria: CeGaT Center For Human Genetics Tuebingen Variant Classification Criteria Version 2. Collection method: clinical testing. Allele origin: germline. Affected: yes. Observed: 1 variant allele.
Comment: KMT2D: PM2:Supporting, BP4

Labcorp Genetics (formerly Invitae), Labcorp
Classification: Uncertain significance for Kabuki syndrome. Last evaluated: 2022-09-15. Review status: criteria provided, single submitter. Criteria: Invitae Variant Classification Sherloc (09022015). Collection method: clinical testing. Allele origin: germline.
Comment: Advanced modeling of protein sequence and biophysical properties (such as structural, functional, and spatial information, amino acid conservation, physicochemical variation, residue mobility, and thermodynamic stability) performed at Invitae indicates that this missense variant is not expected to disrupt KMT2D protein function. This variant has not been reported in the literature in individuals affected with KMT2D-related conditions. This variant is not present in population databases (gnomAD no frequency). This sequence change replaces proline, which is neutral and non-polar, with serine, which is neutral and polar, at codon 4838 of the KMT2D protein (p.Pro4838Ser). In summary, the available evidence is currently insufficient to determine the role of this variant in disease. Therefore, it has been classified as a Variant of Uncertain Significance.